The following is an entry in ClinVar:

ClinVar aggregate classification (germline): Uncertain significance. Review status: criteria provided, multiple submitters, no conflicts (2 of 4 stars). 3 submissions from 3 submitters: Uncertain significance (3). Last evaluated 2025-05-07.

Conditions:
Hereditary nonpolyposis colorectal neoplasms. Identifiers: MedGen C0009405, MeSH D003123.
Hereditary cancer-predisposing syndrome. Also called: Hereditary neoplastic syndrome; Neoplastic Syndromes, Hereditary; Hereditary Cancer Syndrome; Tumor predisposition. Identifiers: Orphanet 140162, MedGen C0027672, MeSH D009386, MONDO:0015356.

Submissions (3):

Quest Diagnostics Nichols Institute San Juan Capistrano
Classification: Uncertain significance. Last evaluated: 2025-05-07. Review status: criteria provided, single submitter. Criteria: Quest Diagnostics criteria. Collection method: clinical testing. Allele origin: unknown.
Comment: The MSH6 c.1118T>C (p.Leu373Pro) variant has not been reported in individuals with MSH6-related conditions in the published literature. It also has not been reported in large, multi-ethnic general populations (Genome Aggregation Database). Analysis of this variant using bioinformatics tools for the prediction of the effect of amino acid changes on protein structure and function yielded predictions that this variant is damaging. Based on the available information, we are unable to determine the clinical significance of this variant.

Labcorp Genetics (formerly Invitae), Labcorp
Classification: Uncertain significance for Hereditary nonpolyposis colorectal neoplasms. Last evaluated: 2022-08-23. Review status: criteria provided, single submitter. Criteria: Invitae Variant Classification Sherloc (09022015). Collection method: clinical testing. Allele origin: germline.
Comment: In summary, the available evidence is currently insufficient to determine the role of this variant in disease. Therefore, it has been classified as a Variant of Uncertain Significance. Advanced modeling of protein sequence and biophysical properties (such as structural, functional, and spatial information, amino acid conservation, physicochemical variation, residue mobility, and thermodynamic stability) performed at Invitae indicates that this missense variant is expected to disrupt MSH6 protein function. This sequence change replaces leucine, which is neutral and non-polar, with proline, which is neutral and non-polar, at codon 373 of the MSH6 protein (p.Leu373Pro). This variant is not present in population databases (gnomAD no frequency). This variant has not been reported in the literature in individuals affected with MSH6-related conditions.

Ambry Genetics
Classification: Uncertain significance for Hereditary cancer-predisposing syndrome. Last evaluated: 2021-06-09. Review status: criteria provided, single submitter. Criteria: Ambry Variant Classification Scheme 2023. Collection method: clinical testing. Allele origin: germline.
Comment: The p.L373P variant (also known as c.1118T>C), located in coding exon 4 of the MSH6 gene, results from a T to C substitution at nucleotide position 1118. The leucine at codon 373 is replaced by proline, an amino acid with similar properties. This amino acid position is well conserved in available vertebrate species. In addition, this alteration is predicted to be deleterious by in silico analysis. Since supporting evidence is limited at this time, the clinical significance of this alteration remains unclear.

NM_000179.3(MSH6):c.1118T>C (p.Leu373Pro)

Gene: MSH6 (mutS homolog 6; plus strand). Cytogenetic location: 2p16.3.
Variant type: single nucleotide variant.
Coding change: c.1118T>C on transcript NM_000179.3 (MANE Select); coding-DNA position 1118, T replaced by C.
Protein change: p.Leu373Pro; replaces leucine 373 with proline.
Molecular consequence: missense variant.
Genome position (GRCh38, 1-based): chr2:47,799,101, T>C. VCF-style: chr2-47799101-T-C. GRCh37 (hg19) VCF-style: chr2-48026240-T-C.
Other names: c.212T>C, p.Leu71Pro (NM_001406815.1, NM_001406816.1, NM_001406823.1 and 6 more transcripts); c.1118T>C, p.Leu373Pro (NM_001406817.1, NM_001406800.1, NM_001406803.1 and 4 more transcripts); c.821T>C, p.Leu274Pro (NM_001406818.1, NM_001406819.1, NM_001406820.1 and 10 more transcripts); c.950T>C, p.Leu317Pro (NM_001406826.1); c.593T>C, p.Leu198Pro (NM_001406799.1, NM_001406806.1, NM_001406807.1); c.1214T>C, p.Leu405Pro (NM_001406802.1, NM_001406795.1); c.1040T>C, p.Leu347Pro (NM_001406804.1); c.1124T>C, p.Leu375Pro (NM_001406813.1); and 1 more; short protein forms L198P, L243P, L274P, L317P, L347P, L373P, L375P, L405P.
Identifiers: ClinVar variation 1717842 (VCV001717842.9), dbSNP rs2104320654, ClinGen allele CA346742013.